The following is an entry in ClinVar:

ClinVar aggregate classification (germline): Uncertain significance (1 of 4 stars; one submission).

Conditions:
Tumor predisposition syndrome 3 (TPDS3). Also called: Melanoma, cutaneous malignant, susceptibility to, 10; LONG TELOMERE SYNDROME, POT1-RELATED; POT1 Tumor Predisposition; Glioma susceptibility 9. Identifiers: Orphanet 618, MedGen C4014476, MONDO:0014368, OMIM 615848.

Submission:

Labcorp Genetics (formerly Invitae), Labcorp
Classification: Uncertain significance for Tumor predisposition syndrome 3. Last evaluated: 2018-10-16. Review status: criteria provided, single submitter. Criteria: Invitae Variant Classification Sherloc (09022015). Collection method: clinical testing. Allele origin: germline.
Comment: In summary, the available evidence is currently insufficient to determine the role of this variant in disease. Therefore, it has been classified as a Variant of Uncertain Significance. Algorithms developed to predict the effect of missense changes on protein structure and function (SIFT, PolyPhen-2, Align-GVGD) all suggest that this variant is likely to be tolerated, but these predictions have not been confirmed by published functional studies and their clinical significance is uncertain. This variant has not been reported in the literature in individuals with POT1-related disease. This variant is not present in population databases (ExAC no frequency). This sequence change replaces threonine with serine at codon 187 of the POT1 protein (p.Thr187Ser). The threonine residue is highly conserved and there is a small physicochemical difference between threonine and serine.

NM_015450.3(POT1):c.560C>G (p.Thr187Ser)

Gene: POT1 (protection of telomeres 1; minus strand). Cytogenetic location: 7q31.33.
Variant type: single nucleotide variant.
Coding change: c.560C>G on transcript NM_015450.3 (MANE Select); coding-DNA position 560, C replaced by G.
Protein change: p.Thr187Ser; replaces threonine 187 with serine.
Molecular consequence: missense variant. On other transcripts: non-coding transcript variant (3).
Genome position (GRCh38, 1-based): chr7:124,859,099, G>C on the plus strand (C>G on the coding strand, the complement: POT1 is on the minus strand). VCF-style: chr7-124859099-G-C. GRCh37 (hg19) VCF-style: chr7-124499153-G-C.
Other names: c.167C>G, p.Thr56Ser (NM_001042594.2); short protein forms T187S, T56S.
Identifiers: ClinVar variation 567491 (VCV000567491.10), dbSNP rs1562990972, ClinGen allele CA369056800.
Genomic context (GRCh38, chr7:124,859,099, plus strand): 5'-AAATCACCTTCAAGAACAAGGTCTTGTATTAAGACTCTCCAAGATGGAAATGGTGTCCTG[G>C]TGCCATCCCATACCTGCCATAAGAGAGTAGAGTAGTTTTATGATCCTTTTGAAAAAATGC-3'
Protein context (NP_056265.2, residues 177-197): ASFLLKVWDG[Thr187Ser]RTPFPSWRVL